The following is an entry in ClinVar:

ClinVar aggregate classification (germline): Uncertain significance (1 of 4 stars; one submission).

Conditions:
Spinocerebellar ataxia, autosomal recessive, with axonal neuropathy 2 (SCAN2). Also called: ATAXIA-OCULOMOTOR APRAXIA 2; Ataxia with Oculomotor Apraxia; Ataxia-ocular apraxia-2; Ataxia with Oculomotor Apraxia Type 2. Identifiers: Orphanet 64753, MedGen C1853761, MONDO:0018996, OMIM 606002.
Amyotrophic lateral sclerosis type 4 (ALS4). Also called: AMYOTROPHIC LATERAL SCLEROSIS 4, JUVENILE; NEURONOPATHY, DISTAL HEREDITARY MOTOR, WITH PYRAMIDAL FEATURES. Identifiers: Orphanet 357043, MedGen C1865409, MONDO:0011223, OMIM 602433.

Submission:

Labcorp Genetics (formerly Invitae), Labcorp
Classification: Uncertain significance for Amyotrophic lateral sclerosis type 4; Spinocerebellar ataxia, autosomal recessive, with axonal neuropathy 2. Last evaluated: 2025-06-30. Review status: criteria provided, single submitter. Criteria: Invitae Variant Classification Sherloc (09022015). Collection method: clinical testing. Allele origin: germline.
Comment: This sequence change replaces serine, which is neutral and polar, with glycine, which is neutral and non-polar, at codon 2620 of the SETX protein (p.Ser2620Gly). This variant is not present in population databases (gnomAD no frequency). This variant has not been reported in the literature in individuals affected with SETX-related conditions. Invitae Evidence Modeling of protein sequence and biophysical properties (such as structural, functional, and spatial information, amino acid conservation, physicochemical variation, residue mobility, and thermodynamic stability) indicates that this missense variant is not expected to disrupt SETX protein function with a negative predictive value of 95%. In summary, the available evidence is currently insufficient to determine the role of this variant in disease. Therefore, it has been classified as a Variant of Uncertain Significance.

NM_015046.7(SETX):c.7858A>G (p.Ser2620Gly)

Gene: SETX (senataxin; minus strand). Cytogenetic location: 9q34.13.
Variant type: single nucleotide variant.
Coding change: c.7858A>G on transcript NM_015046.7 (MANE Select); coding-DNA position 7858, A replaced by G.
Protein change: p.Ser2620Gly; replaces serine 2620 with glycine.
Molecular consequence: missense variant.
Genome position (GRCh38, 1-based): chr9:132,264,415, T>C on the plus strand (A>G on the coding strand, the complement: SETX is on the minus strand). VCF-style: chr9-132264415-T-C. GRCh37 (hg19) VCF-style: chr9-135139802-T-C.
Other names: c.7858A>G, p.Ser2620Gly (NM_001351527.2); c.7945A>G, p.Ser2649Gly (NM_001351528.2); short protein forms S2620G, S2649G.
Identifiers: ClinVar variation 4789529 (VCV004789529.1).